The following is an entry in ClinVar:

ClinVar aggregate classification (germline): Uncertain significance (1 of 4 stars; one submission).

Allele frequency attached by ClinVar (database versions not stated): gnomAD exomes below 0.00001; TOPMed below 0.00001; ExAC 0.00001.
gnomAD v4.1: 5 of 1,614,110 alleles (0.00031%); highest among the groups gnomAD compares: Non-Finnish European, 0.00042%; no homozygotes.

Submission:

Labcorp Genetics (formerly Invitae), Labcorp
Classification: Uncertain significance. Last evaluated: 2025-02-02. Review status: criteria provided, single submitter. Criteria: Invitae Variant Classification Sherloc (09022015). Collection method: clinical testing. Allele origin: germline.
Comment: This sequence change replaces threonine, which is neutral and polar, with methionine, which is neutral and non-polar, at codon 936 of the SORL1 protein (p.Thr936Met). This variant is present in population databases (rs756455542, gnomAD 0.006%). This missense change has been observed in individual(s) with Alzheimer’s disease (PMID: 27026413). ClinVar contains an entry for this variant (Variation ID: 2735782). An algorithm developed to predict the effect of missense changes on protein structure and function (PolyPhen-2) suggests that this variant is likely to be disruptive. In summary, the available evidence is currently insufficient to determine the role of this variant in disease. Therefore, it has been classified as a Variant of Uncertain Significance.

Literature cited by the submitters: PubMed 27026413.

NM_003105.6(SORL1):c.2807C>T (p.Thr936Met)

Gene: SORL1 (sortilin related receptor 1; plus strand). Cytogenetic location: 11q24.1.
Variant type: single nucleotide variant.
Coding change: c.2807C>T on transcript NM_003105.6 (MANE Select); coding-DNA position 2807, C replaced by T.
Protein change: p.Thr936Met; replaces threonine 936 with methionine.
Molecular consequence: missense variant.
Genome position (GRCh38, 1-based): chr11:121,558,734, C>T. VCF-style: chr11-121558734-C-T. GRCh37 (hg19) VCF-style: chr11-121429443-C-T.
Other names: short protein forms T936M.
Identifiers: ClinVar variation 2735782 (VCV002735782.3), dbSNP rs756455542, ClinGen allele CA6329062.